The following is an entry in ClinVar:

NM_001111.5(ADAR):c.2795C>G (p.Ser932Cys)

Gene: ADAR (adenosine deaminase RNA specific; minus strand). Cytogenetic location: 1q21.3.
Variant type: single nucleotide variant.
Coding change: c.2795C>G on transcript NM_001111.5 (MANE Select); coding-DNA position 2795, C replaced by G.
Protein change: p.Ser932Cys; replaces serine 932 with cysteine.
Molecular consequence: missense variant.
Genome position (GRCh38, 1-based): chr1:154,588,641, G>C on the plus strand (C>G on the coding strand, the complement: ADAR is on the minus strand). VCF-style: chr1-154588641-G-C. GRCh37 (hg19) VCF-style: chr1-154561117-G-C.
Other names: c.1910C>G, p.Ser637Cys (NM_001025107.3, NM_001193495.2, NM_001365046.1 and 2 more transcripts); c.2822C>G, p.Ser941Cys (NM_001365045.1); c.1832C>G, p.Ser611Cys (NM_001365049.1); c.2717C>G, p.Ser906Cys (NM_015840.4); c.2660C>G, p.Ser887Cys (NM_015841.4); short protein forms S611C, S941C, S637C, S906C, S887C, S932C.
Identifiers: ClinVar variation 834272 (VCV000834272.11), dbSNP rs886082285, ClinGen allele CA342636428.
Genomic context (GRCh38, chr1:154,588,641, plus strand): 5'-TTTATTTGGAGCTTTTCTCCTCCCTTAGCAGGTTCAAATATACTATCCTTCGCAGTCTGG[G>C]AGTTGTATTTCATTAACTCACTGTAGAGAAACCTACAAAAAGAAAGTCTGGTTAGGAAGG-3'
Protein context (NP_001102.3, residues 922-942): FLYSELMKYN[Ser932Cys]QTAKDSIFEP

ClinVar aggregate classification (germline): Uncertain significance (1 of 4 stars; one submission).

Conditions:
Aicardi-Goutieres syndrome 6 (AGS6). Identifiers: Orphanet 51, MedGen C3539013, MONDO:0014007, OMIM 615010.
Symmetrical dyschromatosis of extremities (DSH). Also called: RETICULATE ACROPIGMENTATION OF DOHI; SYMMETRIC DYSCHROMATOSIS OF THE EXTREMITIES; Dyschromatosis symmetrica hereditaria; DYSCHROMATOSIS SYMMETRICA HEREDITARIA 1. Identifiers: Orphanet 41, MedGen C0406775, MONDO:0007483, OMIM 127400.

Allele frequency attached by ClinVar (database versions not stated): gnomAD exomes below 0.00001.
gnomAD v4.1: 2 of 1,614,162 alleles (0.00012%); highest among the groups gnomAD compares: Middle Eastern, 0.033%; no homozygotes.

Submission:

Labcorp Genetics (formerly Invitae), Labcorp
Classification: Uncertain significance for Aicardi-Goutieres syndrome 6; Symmetrical dyschromatosis of extremities. Last evaluated: 2022-09-01. Review status: criteria provided, single submitter. Criteria: Invitae Variant Classification Sherloc (09022015). Collection method: clinical testing. Allele origin: germline.
Comment: This sequence change replaces serine, which is neutral and polar, with cysteine, which is neutral and slightly polar, at codon 932 of the ADAR protein (p.Ser932Cys). This variant is present in population databases (no rsID available, gnomAD 0.0009%). This variant has not been reported in the literature in individuals affected with ADAR-related conditions. ClinVar contains an entry for this variant (Variation ID: 834272). Algorithms developed to predict the effect of missense changes on protein structure and function are either unavailable or do not agree on the potential impact of this missense change (SIFT: "Tolerated"; PolyPhen-2: "Possibly Damaging"; Align-GVGD: "Class C15"). In summary, the available evidence is currently insufficient to determine the role of this variant in disease. Therefore, it has been classified as a Variant of Uncertain Significance.